The following is an entry in ClinVar:

ClinVar aggregate classification (germline): Uncertain significance (1 of 4 stars; one submission).

gnomAD v4.1: 4 of 1,614,154 alleles (0.00025%); highest among the groups gnomAD compares: Middle Eastern, 0.017%; no homozygotes.

Submission:

Mayo Clinic Laboratories, Mayo Clinic
Classification: Uncertain significance. Last evaluated: 2025-09-13. Review status: criteria provided, single submitter. Criteria: ACMG Guidelines, 2015. Collection method: clinical testing. Allele origin: germline. Observed: 1 variant allele.
Comment: BP4_moderate, PM2_supporting

NM_001128225.3(SLC39A13):c.554C>A (p.Pro185His)

Gene: SLC39A13 (solute carrier family 39 member 13; plus strand). Cytogenetic location: 11p11.2.
Variant type: single nucleotide variant.
Coding change: c.554C>A on transcript NM_001128225.3 (MANE Select); coding-DNA position 554, C replaced by A.
Protein change: p.Pro185His; replaces proline 185 with histidine.
Molecular consequence: missense variant. On other transcripts: non-coding transcript variant (1), intron variant (4).
Genome position (GRCh38, 1-based): chr11:47,413,416, C>A. VCF-style: chr11-47413416-C-A. GRCh37 (hg19) VCF-style: chr11-47434967-C-A.
Other names: p.Pro185His; c.554C>A, p.Pro185His (NM_001330245.2, NM_001441271.1, NM_001441273.1 and 1 more transcripts); c.538-181C>A (NM_001441272.1, NM_001441275.1, NM_001441276.1); c.537+949C>A (NM_001441274.1); short protein forms P185H.
Identifiers: ClinVar variation 4541620 (VCV004541620.1).